The following is an entry in ClinVar:

ClinVar aggregate classification (germline): Uncertain significance (1 of 4 stars; one submission).

Conditions:
Dilated cardiomyopathy 1W (CMD1W). Identifiers: Orphanet 154, MedGen C1969639, MONDO:0012667, OMIM 611407.

Allele frequency attached by ClinVar (database versions not stated): gnomAD exomes below 0.00001; TOPMed below 0.00001.
gnomAD v4.1: 1 of 1,614,038 alleles (0.000062%); highest among the groups gnomAD compares: African/African-American, 0.0013%; no homozygotes.

Submission:

Labcorp Genetics (formerly Invitae), Labcorp
Classification: Uncertain significance for Dilated cardiomyopathy 1W. Last evaluated: 2020-02-02. Review status: criteria provided, single submitter. Criteria: Invitae Variant Classification Sherloc (09022015). Collection method: clinical testing. Allele origin: germline.
Comment: This sequence change replaces alanine with threonine at codon 642 of the VCL protein (p.Ala642Thr). The alanine residue is moderately conserved and there is a small physicochemical difference between alanine and threonine. This variant is not present in population databases (ExAC no frequency). This variant has not been reported in the literature in individuals with VCL-related conditions. Algorithms developed to predict the effect of missense changes on protein structure and function are either unavailable or do not agree on the potential impact of this missense change (SIFT: "Not Available"; PolyPhen-2: "Benign"; Align-GVGD: "Not Available"). In summary, the available evidence is currently insufficient to determine the role of this variant in disease. Therefore, it has been classified as a Variant of Uncertain Significance.

NM_014000.3(VCL):c.1924G>A (p.Ala642Thr)

Gene: VCL (vinculin; plus strand). Cytogenetic location: 10q22.2.
Variant type: single nucleotide variant.
Coding change: c.1924G>A on transcript NM_014000.3 (MANE Select); coding-DNA position 1924, G replaced by A.
Protein change: p.Ala642Thr; replaces alanine 642 with threonine.
Molecular consequence: missense variant.
Genome position (GRCh38, 1-based): chr10:74,100,999, G>A. VCF-style: chr10-74100999-G-A. GRCh37 (hg19) VCF-style: chr10-75860757-G-A.
Other names: c.1924G>A, p.Ala642Thr (NM_003373.4); short protein forms A642T.
Identifiers: ClinVar variation 1055338 (VCV001055338.7), dbSNP rs1840044531, ClinGen allele CA377277640.
Genomic context (GRCh38, chr10:74,100,999, plus strand): 5'-TTCCTCAAGGTATTTGATGAGAGGGCAGCTAACTTTGAAAACCATTCAGGAAAGCTTGGT[G>A]CTACGGCCGAGAAGGCGGCTGCGGTTGGTACTGCTAATAAATCAACAGTGGAAGGCATTC-3'
Protein context (NP_054706.1, residues 632-652): NFENHSGKLG[Ala642Thr]TAEKAAAVGT